The following is an entry in ClinVar:

ClinVar aggregate classification (germline): Uncertain significance (1 of 4 stars; one submission).

gnomAD v4.1: 7 of 1,614,134 alleles (0.00043%); highest among the groups gnomAD compares: South Asian, 0.0011%; no homozygotes.

Submission:

CeGaT Center for Human Genetics Tuebingen
Classification: Uncertain significance. Last evaluated: 2023-08-01. Review status: criteria provided, single submitter. Criteria: CeGaT Center For Human Genetics Tuebingen Variant Classification Criteria Version 2. Collection method: clinical testing. Allele origin: germline. Affected: yes. Observed: 1 variant allele.
Comment: SLC2A10: PM2, BP4

NM_030777.4(SLC2A10):c.476G>T (p.Gly159Val)

Gene: SLC2A10 (solute carrier family 2 member 10; plus strand). Cytogenetic location: 20q13.12.
Variant type: single nucleotide variant.
Coding change: c.476G>T on transcript NM_030777.4 (MANE Select); coding-DNA position 476, G replaced by T.
Protein change: p.Gly159Val; replaces glycine 159 with valine.
Molecular consequence: missense variant.
Genome position (GRCh38, 1-based): chr20:46,725,512, G>T. VCF-style: chr20-46725512-G-T. GRCh37 (hg19) VCF-style: chr20-45354151-G-T.
Other names: short protein forms G159V.
Identifiers: ClinVar variation 2582996 (VCV002582996.25), dbSNP rs983582627, ClinGen allele CA409267081.